The following is an entry in ClinVar:

ClinVar aggregate classification (germline): Likely pathogenic (1 of 4 stars; one submission).

Conditions:
Glycogen storage disease type III (GSD3). Also called: FORBES DISEASE; Cori disease. Identifiers: Orphanet 366, MedGen C0017922, MONDO:0009291, OMIM 232400.

Submission:

Myriad Genetics, Inc.
Classification: Likely pathogenic for Glycogen storage disease type III. Last evaluated: 2022-03-05. Review status: criteria provided, single submitter. Criteria: Myriad Women's Health Autosomal Recessive and X-Linked Classification Criteria (2021). Collection method: clinical testing. Allele origin: unknown.
Comment: NM_000642.2(AGL):c.3100_3101delTC(S1034Nfs*35) is expected to be pathogenic in the context of glycogen storage disease type III. This variant is predicted to lead to an abnormal or absent protein product due to the creation of a premature termination codon in AGL, a gene where loss-of-function variants are known to be pathogenic. Please note: this variant was assessed in the context of healthy population screening.

NM_000642.3(AGL):c.3100_3101del (p.Ser1034fs)

Gene: AGL (amylo-alpha-1,6-glucosidase and 4-alpha-glucanotransferase; plus strand). Cytogenetic location: 1p21.2.
Variant type: Deletion.
Coding change: c.3100_3101del on transcript NM_000642.3 (MANE Select); coding-DNA positions 3100 to 3101, 2 bases deleted (TC; older notation c.3100_3101delTC).
Protein change: p.Ser1034fs; shifts the reading frame from serine 1034.
Molecular consequence: frameshift variant.
Genome position (GRCh38, 1-based): chr1:99,892,448-99,892,449, TC deleted. VCF-style (leftmost placement, unchanged base first): chr1-99892447-TTC-T. GRCh37 (hg19) VCF-style: chr1-100358003-TTC-T.
Other names: c.3100_3101delTC, p.Ser1034Asnfs (NM_000028.3, NM_000643.3, NM_000644.3 and 1 more transcripts); c.3052_3053delTC, p.Ser1018Asnfs (NM_000646.3); c.3079_3080delTC, p.Ser1027Asnfs (NM_001425326.1); c.2899_2900delTC, p.Ser967Asnfs (NM_001425327.1); c.2896_2897delTC, p.Ser966Asnfs (NM_001425328.1); c.2761_2762delTC, p.Ser921Asnfs (NM_001425329.1); c.2722_2723delTC, p.Ser908Asnfs (NM_001425332.1); short protein forms S1018fs, S1034fs.
Identifiers: ClinVar variation 1725021 (VCV001725021.2), dbSNP rs2524731035, ClinGen allele CA2580063588.
Genomic context (GRCh38, chr1:99,892,447, plus strand): 5'-AAATTGTATTTCTACAAGTAATAAATTCAATCACTTTTGTTACAGCTTTGTTCAGAATGG[TTC>T]AACCTTTGTGAAACACCTTTCATTGGGTTCAGTTCAACTGTGTGGAGTAGGAAAATTCCC-3'